The following is an entry in ClinVar:

NM_024503.5(HIVEP3):c.4699C>T (p.Pro1567Ser)

Gene: HIVEP3 (HIVEP zinc finger 3; minus strand). Cytogenetic location: 1p34.2.
Variant type: single nucleotide variant.
Coding change: c.4699C>T on transcript NM_024503.5 (MANE Select); coding-DNA position 4699, C replaced by T.
Protein change: p.Pro1567Ser; replaces proline 1567 with serine.
Molecular consequence: missense variant.
Genome position (GRCh38, 1-based): chr1:41,580,099, G>A on the plus strand (C>T on the coding strand, the complement: HIVEP3 is on the minus strand). VCF-style: chr1-41580099-G-A. GRCh37 (hg19) VCF-style: chr1-42045770-G-A.
Other names: c.4699C>T, p.Pro1567Ser (NM_001127714.3); c.4699C>T (NM_024503.4); short protein forms P1567S.
Identifiers: ClinVar variation 2638731 (VCV002638731.25), dbSNP rs34970884, ClinGen allele CA797653.

ClinVar aggregate classification (germline): Likely benign. Review status: criteria provided, single submitter (1 of 4 stars). 2 submissions from 2 submitters: Likely benign (1). 1 of the submissions does not count toward it. Last evaluated 2023-01-01.

Conditions:
HIVEP3-related disorder. Also called: HIVEP3-related condition.

Allele frequency attached by ClinVar (database versions not stated): 1000 Genomes Project 0.00100; 1000 Genomes Project 30x 0.00109; gnomAD 0.00216; TOPMed 0.00223; ExAC 0.00288; ESP Exome Variant Server 0.00346.

Submissions (2):

CeGaT Center for Human Genetics Tuebingen
Classification: Likely benign. Last evaluated: 2023-01-01. Review status: criteria provided, single submitter. Criteria: CeGaT Center For Human Genetics Tuebingen Variant Classification Criteria Version 2. Collection method: clinical testing. Allele origin: germline. Affected: yes. Observed: 1 variant allele.
Comment: HIVEP3: BP4, BS2

PreventionGenetics, part of Exact Sciences
Classification: Benign for HIVEP3-related condition. Last evaluated: 2019-05-13. Review status: no assertion criteria provided. Collection method: clinical testing. Allele origin: germline. Not counted in ClinVar's aggregate classification.
Comment: This variant is classified as benign based on ACMG/AMP sequence variant interpretation guidelines (Richards et al. 2015 PMID: 25741868, with internal and published modifications).